The following is an entry in ClinVar:

NM_005902.4(SMAD3):c.1170_1179del (p.Ser391fs)

Gene: SMAD3 (SMAD family member 3; plus strand). Cytogenetic location: 15q22.33.
Variant type: Deletion.
Coding change: c.1170_1179del on transcript NM_005902.4 (MANE Select); coding-DNA positions 1170 to 1179, 10 bases deleted (CAGTACCCCC; older notation c.1170_1179delCAGTACCCCC).
Protein change: p.Ser391fs; shifts the reading frame from serine 391.
Molecular consequence: frameshift variant.
Genome position (GRCh38, 1-based): chr15:67,190,428-67,190,437, CAGTACCCCC deleted; deleting any 10 consecutive bases within chr15:67,190,427-67,190,437 gives the same sequence; the c. name uses the placement nearest the transcript's 3' end. VCF-style (leftmost placement, unchanged base first): chr15-67190426-ACCAGTACCCC-A. GRCh37 (hg19) VCF-style: chr15-67482764-ACCAGTACCCC-A.
Other names: c.855_864del, p.Ser286fs (NM_001145102.2, NM_001407016.1); c.1038_1047del, p.Ser347fs (NM_001145103.2, NM_001407012.1); c.585_594del, p.Ser196fs (NM_001145104.2, NM_001407017.1); c.1281_1290del, p.Ser428fs (NM_001407011.1); c.1032_1041del, p.Ser345fs (NM_001407013.1); c.1023_1032del, p.Ser342fs (NM_001407014.1); c.723_732del, p.Ser242fs (NM_001407015.1); short protein forms S196fs, S342fs, S428fs, S345fs, S347fs, S242fs, S286fs, S391fs.
Identifiers: ClinVar variation 4170019 (VCV004170019.1).

ClinVar aggregate classification (germline): Pathogenic (1 of 4 stars; one submission).

Conditions:
Familial thoracic aortic aneurysm and aortic dissection (TAAD). Also called: Thoracic aortic aneurysms and dissections. Identifiers: Orphanet 91387, MedGen C4707243, MONDO:0019625.

Submission:

Ambry Genetics
Classification: Pathogenic for Familial thoracic aortic aneurysm and aortic dissection. Last evaluated: 2025-09-05. Review status: criteria provided, single submitter. Criteria: Ambry Variant Classification Scheme 2023. Collection method: clinical testing. Allele origin: germline.
Comment: The c.1170_1179del10 pathogenic mutation, located in coding exon 9 of the SMAD3 gene, results from a deletion of 10 nucleotides at nucleotide positions 1170 to 1179, causing a translational frameshift with a predicted alternate stop codon. This alteration occurs at the 3' terminus of theSMAD3 gene, is not expected to trigger nonsense-mediated mRNA decay, and impacts the last 7.27% of the protein. However, premature stop codons are typically deleterious in nature. This alteration has been reported in individuals with thoracic aortic aneurysm and dissection (TAAD), segregating with disease in one family (Wischmeijer A et al. Am J Med Genet A, 2013 May;161A:1028-35). This variant is considered to be rare based on population cohorts in the Genome Aggregation Database (gnomAD). This alteration is expected to result in loss of function by premature protein truncation or nonsense-mediated mRNA decay. As such, this alteration is interpreted as a disease-causing mutation.

Literature cited by the submitters: PubMed 23554019.